The following is an entry in ClinVar:

NC_000002.12:g.178555153dup

Genes: TTN (titin; minus strand), TTN-AS1 (TTN antisense RNA 1; plus strand). Cytogenetic location: 2q31.2.
Variant type: Duplication.
Genome position: GRCh38 VCF-style: chr2-178555151-A-AC. GRCh37 (hg19) VCF-style: chr2-179419878-A-AC.
Identifiers: ClinVar variation 4785885 (VCV004785885.1).

ClinVar aggregate classification (germline): Likely pathogenic (1 of 4 stars; one submission).

Conditions:
Autosomal recessive limb-girdle muscular dystrophy type 2J (LGMDR10). Also called: Limb-girdle muscular dystrophy, type 2J; MUSCULAR DYSTROPHY, LIMB-GIRDLE, AUTOSOMAL RECESSIVE 10. Identifiers: Orphanet 140922, MedGen C1837342, MONDO:0012127, OMIM 608807.
Dilated cardiomyopathy 1G (CMD1G). Identifiers: Orphanet 154, MedGen C1858763, MONDO:0011400, OMIM 604145.

Submission:

Labcorp Genetics (formerly Invitae), Labcorp
Classification: Likely pathogenic for Dilated cardiomyopathy 1G; Autosomal recessive limb-girdle muscular dystrophy type 2J. Last evaluated: 2025-08-16. Review status: criteria provided, single submitter. Criteria: Invitae Variant Classification Sherloc (09022015). Collection method: clinical testing. Allele origin: germline.
Comment: This sequence change creates a premature translational stop signal (p.Gly29437Trpfs*5) in the TTN gene. While this is not anticipated to result in nonsense mediated decay, it is expected to create a truncated TTN protein. This variant is not present in population databases (gnomAD no frequency). This premature translational stop signal has been observed in individual(s) with clinical features of dilated cardiomyopathy (internal data). This variant is located in the A band of TTN (PMID: 25589632). Truncating variants in this region are significantly overrepresented in patients affected with dilated cardiomyopathy (PMID: 25589632). Truncating variants in this region have also been reported in individuals affected with autosomal recessive centronuclear myopathy (PMID: 23975875). In summary, the currently available evidence indicates that the variant is pathogenic, but additional data are needed to prove that conclusively. Therefore, this variant has been classified as Likely Pathogenic.

Literature cited by the submitters: PubMed 25589632; PubMed 23975875.